The following is an entry in ClinVar:

NM_005751.5(AKAP9):c.7003A>T (p.Met2335Leu)

Gene: AKAP9 (A-kinase anchoring protein 9; plus strand). Cytogenetic location: 7q21.2.
Variant type: single nucleotide variant.
Coding change: c.7003A>T on transcript NM_005751.5 (MANE Select); coding-DNA position 7003, A replaced by T.
Protein change: p.Met2335Leu; replaces methionine 2335 with leucine.
Molecular consequence: missense variant.
Genome position (GRCh38, 1-based): chr7:92,079,136, A>T. VCF-style: chr7-92079136-A-T. GRCh37 (hg19) VCF-style: chr7-91708450-A-T.
Other names: c.1648A>T, p.Met550Leu (NM_001379277.1); c.6979A>T, p.Met2327Leu (NM_147185.3); short protein forms M2327L, M2335L, M550L.
Identifiers: ClinVar variation 1756649 (VCV001756649.3), dbSNP rs1403214059, ClinGen allele CA368134742.

ClinVar aggregate classification (germline): Uncertain significance (1 of 4 stars; one submission).

Conditions:
Cardiovascular phenotype. Identifiers: MedGen CN230736.

gnomAD v4.1: 1 of 1,613,736 alleles (0.000062%); highest among the groups gnomAD compares: Non-Finnish European, 0.000085%; no homozygotes.

Submission:

Ambry Genetics
Classification: Uncertain significance for Cardiovascular phenotype. Last evaluated: 2025-05-24. Review status: criteria provided, single submitter. Criteria: Ambry Variant Classification Scheme 2023. Collection method: clinical testing. Allele origin: germline.
Comment: The p.M2335L variant (also known as c.7003A>T), located in coding exon 31 of the AKAP9 gene, results from an A to T substitution at nucleotide position 7003. The methionine at codon 2335 is replaced by leucine, an amino acid with highly similar properties. This amino acid position is conserved. In addition, this alteration is predicted to be tolerated by in silico analysis. Since supporting evidence is limited at this time, the clinical significance of this alteration remains unclear.